The following is an entry in ClinVar:

NM_003200.5(TCF3):c.1744A>G (p.Ser582Gly)

Gene: TCF3 (transcription factor 3; minus strand). Cytogenetic location: 19p13.3.
Variant type: single nucleotide variant.
Coding change: c.1744A>G on transcript NM_003200.5 (MANE Select); coding-DNA position 1744, A replaced by G.
Protein change: p.Ser582Gly; replaces serine 582 with glycine.
Molecular consequence: missense variant. On other transcripts: intron variant (2).
Genome position (GRCh38, 1-based): chr19:1,615,363, T>C on the plus strand (A>G on the coding strand, the complement: TCF3 is on the minus strand). VCF-style: chr19-1615363-T-C. GRCh37 (hg19) VCF-style: chr19-1615362-T-C.
Other names: c.1741A>G, p.Ser581Gly (NM_001351778.2); c.1586+323A>G (NM_001136139.4, NM_001351779.2); short protein forms S581G, S582G.
Identifiers: ClinVar variation 3681758 (VCV003681758.2).

ClinVar aggregate classification (germline): Uncertain significance (1 of 4 stars; one submission).

gnomAD v4.1: 1 of 1,613,896 alleles (0.000062%); highest among the groups gnomAD compares: Non-Finnish European, 0.000085%; no homozygotes.

Submission:

Labcorp Genetics (formerly Invitae), Labcorp
Classification: Uncertain significance. Last evaluated: 2024-12-22. Review status: criteria provided, single submitter. Criteria: Invitae Variant Classification Sherloc (09022015). Collection method: clinical testing. Allele origin: germline.
Comment: This sequence change replaces serine, which is neutral and polar, with glycine, which is neutral and non-polar, at codon 582 of the TCF3 protein (p.Ser582Gly). This variant is not present in population databases (gnomAD no frequency). This variant has not been reported in the literature in individuals affected with TCF3-related conditions. Invitae Evidence Modeling of protein sequence and biophysical properties (such as structural, functional, and spatial information, amino acid conservation, physicochemical variation, residue mobility, and thermodynamic stability) indicates that this missense variant is not expected to disrupt TCF3 protein function with a negative predictive value of 80%. In summary, the available evidence is currently insufficient to determine the role of this variant in disease. Therefore, it has been classified as a Variant of Uncertain Significance.